The following is an entry in ClinVar:

NM_000271.5(NPC1):c.2713C>T (p.Gln905Ter)

Gene: NPC1 (NPC intracellular cholesterol transporter 1; minus strand). Cytogenetic location: 18q11.2.
Variant type: single nucleotide variant.
Coding change: c.2713C>T on transcript NM_000271.5 (MANE Select); coding-DNA position 2713, C replaced by T.
Protein change: p.Gln905Ter; replaces glutamine 905 with a stop codon.
Molecular consequence: nonsense.
Genome position (GRCh38, 1-based): chr18:23,539,893, G>A on the plus strand (C>T on the coding strand, the complement: NPC1 is on the minus strand). VCF-style: chr18-23539893-G-A. GRCh37 (hg19) VCF-style: chr18-21119857-G-A.
Other names: short protein forms Q905*.
Identifiers: ClinVar variation 417625 (VCV000417625.10), dbSNP rs917070773, ClinGen allele CA16616710.

ClinVar aggregate classification (germline): Pathogenic/Likely pathogenic. Review status: criteria provided, multiple submitters, no conflicts (2 of 4 stars). 2 submissions from 2 submitters: Pathogenic (1); Likely pathogenic (1). Last evaluated 2025-04-21.

Conditions:
Niemann-Pick disease, type C1. Also called: NIEMANN-PICK DISEASE, VARIANT TYPE C1; NEUROVISCERAL STORAGE DISEASE WITH VERTICAL SUPRANUCLEAR OPHTHALMOPLEGIA; NIEMANN-PICK DISEASE WITH CHOLESTEROL ESTERIFICATION BLOCK; NIEMANN-PICK DISEASE WITHOUT SPHINGOMYELINASE DEFICIENCY; NIEMANN-PICK DISEASE, CHRONIC NEURONOPATHIC FORM. Identifiers: Orphanet 646, MedGen C3179455, MONDO:0009757, OMIM 257220.

Allele frequency attached by ClinVar (database versions not stated): gnomAD exomes below 0.00001.
gnomAD v4.1: 1 of 1,614,182 alleles (0.000062%); highest among the groups gnomAD compares: Non-Finnish European, 0.000085%; no homozygotes.

Submissions (2):

Labcorp Genetics (formerly Invitae), Labcorp
Classification: Pathogenic for Niemann-Pick disease, type C1. Last evaluated: 2025-04-21. Review status: criteria provided, single submitter. Criteria: Invitae Variant Classification Sherloc (09022015). Collection method: clinical testing. Allele origin: germline.
Comment: This sequence change creates a premature translational stop signal (p.Gln905*) in the NPC1 gene. It is expected to result in an absent or disrupted protein product. Loss-of-function variants in NPC1 are known to be pathogenic (PMID: 9211850). This variant is not present in population databases (gnomAD no frequency). This variant has not been reported in the literature in individuals affected with NPC1-related conditions. ClinVar contains an entry for this variant (Variation ID: 417625). For these reasons, this variant has been classified as Pathogenic.

Rady Children's Institute for Genomic Medicine, Rady Children's Hospital San Diego
Classification: Likely pathogenic for Niemann-Pick disease, type C1. Last evaluated: 2016-09-16. Review status: criteria provided, single submitter. Criteria: ACMG Guidelines, 2015. Collection method: clinical testing. Allele origin: germline. Inheritance: Autosomal recessive inheritance. Affected: yes. Observed: 1 variant allele, 1 homozygote.
Comment: The c.2713 C>T (p.Gln905Ter) in the NPC1 gene is a novel stop-gain variant that is predicted to result in premature truncation of the NPC1 protein. This variant was not found in the 1000 Genomes, Exome Variant Server (EVS) or ExAC databases. Thus, it is presumed to be rare. The Gln905 amino acid residue is highly conserved and insilico algorithms predict the variant to be pathogenic. Based on the combined evidence, this variant is classified as likely pathogenic for Niemann-Pick disease, type C1.

Literature cited by the submitters: PubMed 9211850 (cited by Labcorp Genetics (formerly Invitae), Labcorp).